The following is an entry in ClinVar:

ClinVar aggregate classification (germline): Pathogenic (1 of 4 stars; one submission).

Conditions:
Diffuse cerebral and cerebellar atrophy - intractable seizures - progressive microcephaly syndrome. Also called: Microcephaly, progressive, with seizures and cerebral and cerebellar atrophy. Identifiers: Orphanet 404437, MedGen C4014239, MONDO:0014335, OMIM 615760.

Submission:

Labcorp Genetics (formerly Invitae), Labcorp
Classification: Pathogenic for Diffuse cerebral and cerebellar atrophy - intractable seizures - progressive microcephaly syndrome. Last evaluated: 2025-04-17. Review status: criteria provided, single submitter. Criteria: Invitae Variant Classification Sherloc (09022015). Collection method: clinical testing. Allele origin: germline.
Comment: This sequence change creates a premature translational stop signal (p.Leu553Profs*7) in the QARS gene. It is expected to result in an absent or disrupted protein product. Loss-of-function variants in QARS are known to be pathogenic (PMID: 24656866, 25471517). This variant is not present in population databases (gnomAD no frequency). This variant has not been reported in the literature in individuals affected with QARS-related conditions. For these reasons, this variant has been classified as Pathogenic.

Literature cited by the submitters: PubMed 24656866; PubMed 25471517.

NM_005051.3(QARS1):c.1657dup (p.Leu553fs)

Gene: QARS1 (glutaminyl-tRNA synthetase 1; minus strand). Cytogenetic location: 3p21.31.
Variant type: Duplication.
Coding change: c.1657dup on transcript NM_005051.3 (MANE Select); coding-DNA position 1657, one base duplicated (C; older notation c.1657dupC).
Protein change: p.Leu553fs; shifts the reading frame from leucine 553.
Molecular consequence: frameshift variant. On other transcripts: non-coding transcript variant (1).
Genome position (GRCh38, 1-based): chr3:49,099,211, G duplicated on the plus strand (C on the coding strand, the reverse complement: QARS1 is on the minus strand). VCF-style (leftmost placement, unchanged base first): chr3-49099210-A-AG. GRCh37 (hg19) VCF-style: chr3-49136643-A-AG.
Other names: c.1624dup, p.Leu542fs (NM_001272073.2); short protein forms L553fs, L542fs.
Identifiers: ClinVar variation 4717627 (VCV004717627.1).